The following is an entry in ClinVar:

NM_138576.4(BCL11B):c.2646_2649del (p.Asn884fs)

Gene: BCL11B (BCL11 transcription factor B; minus strand). Cytogenetic location: 14q32.2.
Variant type: Deletion.
Coding change: c.2646_2649del on transcript NM_138576.4 (MANE Select); coding-DNA positions 2646 to 2649, 4 bases deleted (GACT; older notation c.2646_2649delGACT).
Protein change: p.Asn884fs; shifts the reading frame from asparagine 884.
Molecular consequence: frameshift variant.
Genome position (GRCh38, 1-based): chr14:99,174,187-99,174,190, AGTC deleted on the plus strand (GACT on the coding strand, the reverse complement: BCL11B is on the minus strand); deleting any 4 consecutive bases within chr14:99,174,187-99,174,192 gives the same sequence; the c. name uses the placement nearest the transcript's 3' end. VCF-style (leftmost placement, unchanged base first): chr14-99174186-TAGTC-T. GRCh37 (hg19) VCF-style: chr14-99640523-TAGTC-T.
Other names: c.2430_2433del, p.Asn812fs (NM_001282238.2); c.2433_2436del, p.Asn813fs (NM_022898.3); c.2643_2646del, p.Asn883fs (NM_001282237.2); short protein forms N812fs, N813fs, N883fs, N884fs.
Identifiers: ClinVar variation 4082792 (VCV004082792.1).
Genomic context (GRCh38, chr14:99,174,186, plus strand): 5'-GTGCGGGGCGCCGGGGCCCGCGCGCTTAGCTCCTCTCGGCCTGCTCGATTTTGACGTCGT[TAGTC>T]AGCAAGTGCTCGCCGTGCCACTTTTTCATGTGTTTCTCCAGGGTGCTGTAGACGCTGAAG-3'

ClinVar aggregate classification (germline): Likely pathogenic (1 of 4 stars; one submission).

Submission:

GeneDx
Classification: Likely pathogenic. Last evaluated: 2025-03-03. Review status: criteria provided, single submitter. Criteria: GeneDx Variant Classification Process June 2021. Collection method: clinical testing. Allele origin: germline. Affected: yes.
Comment: Frameshift variant predicted to result in abnormal protein length as the last 11 amino acid(s) are replaced with 111 different amino acid(s), and other similar variants have been reported in HGMD; Not observed at significant frequency in large population cohorts (gnomAD); This variant is associated with the following publications: (PMID: 37860968)